The following is an entry in ClinVar:

NM_020800.3(IFT80):c.335G>A (p.Gly112Glu)

Genes: TRIM59-IFT80 (TRIM59-IFT80 readthrough (NMD candidate); minus strand), IFT80 (intraflagellar transport 80; minus strand). Cytogenetic location: 3q25.33.
Variant type: single nucleotide variant.
Coding change: c.335G>A on transcript NM_020800.3 (MANE Select); coding-DNA position 335, G replaced by A.
Protein change: p.Gly112Glu; replaces glycine 112 with glutamic acid.
Molecular consequence: missense variant. On other transcripts: non-coding transcript variant (2), 5 prime UTR variant (2).
Genome position (GRCh38, 1-based): chr3:160,377,465, C>T on the plus strand (G>A on the coding strand, the complement: IFT80 is on the minus strand). VCF-style: chr3-160377465-C-T. GRCh37 (hg19) VCF-style: chr3-160095253-C-T.
Other names: c.-77G>A (NM_001190241.2, NM_001190242.2); short protein forms G112E.
Identifiers: ClinVar variation 971676 (VCV000971676.9), dbSNP rs1712113940, ClinGen allele CA355194267.

ClinVar aggregate classification (germline): Uncertain significance (1 of 4 stars; one submission).

Conditions:
Jeune thoracic dystrophy. Also called: Jeune syndrome; Infantile thoracic dystrophy; Thoracic pelvic phalangeal dystrophy; Jeune's syndrome; Chondroectodermal dysplasia-like syndrome; Short-rib thoracic dysplasia. Identifiers: Orphanet 474, MedGen C0265275, MONDO:0018770.

Submission:

Labcorp Genetics (formerly Invitae), Labcorp
Classification: Uncertain significance for Jeune thoracic dystrophy. Last evaluated: 2022-03-10. Review status: criteria provided, single submitter. Criteria: Invitae Variant Classification Sherloc (09022015). Collection method: clinical testing. Allele origin: germline.
Comment: ClinVar contains an entry for this variant (Variation ID: 971676). This variant has not been reported in the literature in individuals affected with IFT80-related conditions. This variant is not present in population databases (gnomAD no frequency). This sequence change replaces glycine, which is neutral and non-polar, with glutamic acid, which is acidic and polar, at codon 112 of the IFT80 protein (p.Gly112Glu). In summary, the available evidence is currently insufficient to determine the role of this variant in disease. Therefore, it has been classified as a Variant of Uncertain Significance. Algorithms developed to predict the effect of missense changes on protein structure and function are either unavailable or do not agree on the potential impact of this missense change (SIFT: "Deleterious"; PolyPhen-2: "Probably Damaging"; Align-GVGD: "Class C15").